The following is an entry in ClinVar:

ClinVar aggregate classification (germline): Uncertain significance. Review status: criteria provided, multiple submitters, no conflicts (2 of 4 stars). 2 submissions from 2 submitters: Uncertain significance (2). Last evaluated 2025-01-27.

Conditions:
Inborn genetic diseases. Identifiers: MedGen C0950123, MeSH D030342.
Neurodevelopmental disorder with seizures and brain atrophy. Identifiers: MedGen C5436732, MONDO:0033658, OMIM 619072.

gnomAD v4.1: 16 of 1,612,566 alleles (0.00099%); highest among the groups gnomAD compares: Non-Finnish European, 0.0013%; no homozygotes.

Submissions (2):

Ambry Genetics
Classification: Uncertain significance for Inborn genetic diseases. Last evaluated: 2025-01-27. Review status: criteria provided, single submitter. Criteria: Ambry Variant Classification Scheme 2023. Collection method: clinical testing. Allele origin: germline.

Pittsburgh Clinical Genomics Laboratory, University of Pittsburgh Medical Center
Classification: Uncertain significance for Neurodevelopmental disorder with seizures and brain atrophy. Last evaluated: 2022-12-06. Review status: criteria provided, single submitter. Criteria: ACMG Guidelines, 2015. Collection method: clinical testing. Allele origin: germline. Inheritance: Autosomal recessive inheritance. Affected: yes.
Comment: This sequence variant is a single nucleotide substitution (G>A) at coding position 652 of the EXOC7 gene which results in a valine to isoleucine amino acid change at residue 218 in the EXOC7 protein. This variant has not been reported in clinical genetics databases or observed in the medical literature in individuals with EXOC7-related disease, to our knowledge. This variant is present in 4/281216 alleles (0.001%) in the gnomAD control population database. Bioinformatic tools are inconclusive if this amino acid change is likely to be damaging or tolerated, and valine is highly conserved at this protein position in vertebrates. Functiol studies assessing the effect of this variant on protein structure or activity have not been performed, to our knowledge. At this time, there is insufficient evidence to determine if this variant is pathogenic or benign. Therefore, we consider it to be a variant of uncertain significance. ACMG Criteria: PM2

NM_001013839.4(EXOC7):c.652G>A (p.Val218Ile)

Gene: EXOC7 (exocyst complex component 7; minus strand). Cytogenetic location: 17q25.1.
Variant type: single nucleotide variant.
Coding change: c.652G>A on transcript NM_001013839.4 (MANE Select); coding-DNA position 652, G replaced by A.
Protein change: p.Val218Ile; replaces valine 218 with isoleucine.
Molecular consequence: missense variant.
Genome position (GRCh38, 1-based): chr17:76,094,570, C>T on the plus strand (G>A on the coding strand, the complement: EXOC7 is on the minus strand). VCF-style: chr17-76094570-C-T. GRCh37 (hg19) VCF-style: chr17-74090651-C-T.
Other names: c.652G>A, p.Val218Ile (NM_001145297.4, NM_001145298.4, NM_001145299.4 and 4 more transcripts); c.529G>A, p.Val177Ile (NM_001282313.2); c.652G>A (NM_001145297.2); short protein forms V177I, V218I.
Identifiers: ClinVar variation 3376195 (VCV003376195.2).